The following is an entry in ClinVar:

NM_014297.5(ETHE1):c.295C>T (p.Gln99Ter)

Gene: ETHE1 (ETHE1 persulfide dioxygenase; minus strand). Cytogenetic location: 19q13.31.
Variant type: single nucleotide variant.
Coding change: c.295C>T on transcript NM_014297.5 (MANE Select); coding-DNA position 295, C replaced by T.
Protein change: p.Gln99Ter; replaces glutamine 99 with a stop codon.
Molecular consequence: nonsense. On other transcripts: intron variant (2).
Genome position (GRCh38, 1-based): chr19:43,526,281, G>A on the plus strand (C>T on the coding strand, the complement: ETHE1 is on the minus strand). VCF-style: chr19-43526281-G-A. GRCh37 (hg19) VCF-style: chr19-44030433-G-A.
Other names: c.262C>T, p.Gln88Ter (NM_001320867.2); c.81+816C>T (NM_001320869.2); c.6+234C>T (NM_001320868.2); short protein forms Q88*, Q99*.
Identifiers: ClinVar variation 640004 (VCV000640004.6), dbSNP rs1600019095, ClinGen allele CA406179513.

ClinVar aggregate classification (germline): Pathogenic (1 of 4 stars; one submission).

Conditions:
Ethylmalonic encephalopathy (EE). Also called: EPEMA syndrome; Encephalopathy, petechiae, and ethylmalonic aciduria; Syndrome of encephalopathy, petechiae, and ethylmalonic aciduria. Identifiers: Orphanet 51188, MedGen C1865349, MONDO:0011229, OMIM 602473. Disease mechanism: loss of function.

Submission:

Labcorp Genetics (formerly Invitae), Labcorp
Classification: Pathogenic for Ethylmalonic encephalopathy. Last evaluated: 2023-09-12. Review status: criteria provided, single submitter. Criteria: Invitae Variant Classification Sherloc (09022015). Collection method: clinical testing. Allele origin: germline.
Comment: This sequence change creates a premature translational stop signal (p.Gln99*) in the ETHE1 gene. It is expected to result in an absent or disrupted protein product. Loss-of-function variants in ETHE1 are known to be pathogenic (PMID: 14732903, 19136963). For these reasons, this variant has been classified as Pathogenic. ClinVar contains an entry for this variant (Variation ID: 640004). This variant has not been reported in the literature in individuals affected with ETHE1-related conditions. This variant is not present in population databases (gnomAD no frequency).

Literature cited by the submitters: PubMed 14732903; PubMed 19136963.